The following is an entry in ClinVar:

ClinVar aggregate classification (germline): Uncertain significance (1 of 4 stars; one submission).

Conditions:
Intellectual developmental disorder with impaired language and dysmorphic facies. Identifiers: MedGen C5231444, MONDO:0032851, OMIM 618653.

gnomAD v4.1: 7 of 1,613,900 alleles (0.00043%); highest among the groups gnomAD compares: South Asian, 0.0011%; no homozygotes.

Submission:

Laboratorio de Genetica e Diagnostico Molecular, Hospital Israelita Albert Einstein
Classification: Uncertain significance for Intellectual developmental disorder with impaired language and dysmorphic facies. Last evaluated: 2024-08-09. Review status: criteria provided, single submitter. Criteria: ACMG Guidelines, 2015. Collection method: clinical testing. Allele origin: germline. Affected: yes.
Comment: ACMG classification criteria: PM2 supporting, PP2 supporting, BP4 supporting

NM_004397.6(DDX6):c.155A>G (p.Asn52Ser)

Gene: DDX6 (DEAD-box helicase 6; minus strand). Cytogenetic location: 11q23.3.
Variant type: single nucleotide variant.
Coding change: c.155A>G on transcript NM_004397.6 (MANE Select); coding-DNA position 155, A replaced by G.
Protein change: p.Asn52Ser; replaces asparagine 52 with serine.
Molecular consequence: missense variant. On other transcripts: intron variant (1).
Genome position (GRCh38, 1-based): chr11:118,786,097, T>C on the plus strand (A>G on the coding strand, the complement: DDX6 is on the minus strand). VCF-style: chr11-118786097-T-C. GRCh37 (hg19) VCF-style: chr11-118656806-T-C.
Other names: c.155A>G, p.Asn52Ser (NM_001425147.1, NM_001425148.1, NM_001425149.1 and 7 more transcripts); c.-124-4913A>G (NM_001425154.1); short protein forms N52S.
Identifiers: ClinVar variation 3901943 (VCV003901943.1).